The following is an entry in ClinVar:

ClinVar aggregate classification (germline): Uncertain significance (1 of 4 stars; one submission).

Conditions:
Malignant hyperthermia, susceptibility to, 1 (MHS1). Also called: RYR1-Related Malignant Hyperthermia Susceptibility; Anesthesia related hyperthermia; Malignant hyperpyrexia; Fulminating hyperpyrexia; Pharmacogenic myopathy; Malignant hyperthermia suceptibility 1. Identifiers: Orphanet 423, MedGen C2930980, MONDO:0007783, OMIM 145600.

Allele frequency attached by ClinVar (database versions not stated): gnomAD exomes below 0.00001.

Submission:

All of Us Research Program, National Institutes of Health
Classification: Uncertain significance for Malignant hyperthermia, susceptibility to, 1. Last evaluated: 2023-02-15. Review status: criteria provided, single submitter. Criteria: ACMG Guidelines, 2015. Collection method: clinical testing. Allele origin: germline. Inheritance: Autosomal dominant inheritance. Observed: 1 variant allele, 1 heterozygote.
Comment: This missense variant replaces leucine with proline at codon 3797 of the RYR1 protein. Computational prediction suggests that this variant may have deleterious impact on protein structure and function (internally defined REVEL score threshold >= 0.7, PMID: 27666373). To our knowledge, functional studies have not been reported for this variant. This variant has not been reported in individuals affected with RYR1-related disorders in the literature. This variant has not been identified in the general population by the Genome Aggregation Database (gnomAD). The available evidence is insufficient to determine the role of this variant in disease conclusively. Therefore, this variant is classified as a Variant of Uncertain Significance.

This study involves interpretation of variants in research participants for the purpose of population health screening. Participant phenotype was not available at the time of variant classification. Additional details can be found in publication PMID: 35346344, PMCID: PMC8962531

NM_000540.3(RYR1):c.11390T>C (p.Leu3797Pro)

Gene: RYR1 (ryanodine receptor 1; plus strand). Cytogenetic location: 19q13.2.
Variant type: single nucleotide variant.
Coding change: c.11390T>C on transcript NM_000540.3 (MANE Select); coding-DNA position 11390, T replaced by C.
Protein change: p.Leu3797Pro; replaces leucine 3797 with proline.
Molecular consequence: missense variant.
Genome position (GRCh38, 1-based): chr19:38,535,171, T>C. VCF-style: chr19-38535171-T-C. GRCh37 (hg19) VCF-style: chr19-39025811-T-C.
Other names: c.11375T>C, p.Leu3792Pro (NM_001042723.2); short protein forms L3792P, L3797P.
Identifiers: ClinVar variation 3069373 (VCV003069373.1), dbSNP rs2514530255, ClinGen allele CA405655214.